The following is an entry in ClinVar:

NM_024577.4(SH3TC2):c.524del (p.Gln175fs)

Gene: SH3TC2 (SH3 domain and tetratricopeptide repeats 2; minus strand). Cytogenetic location: 5q32.
Variant type: Deletion.
Coding change: c.524del on transcript NM_024577.4 (MANE Select); coding-DNA position 524, one base deleted (A; older notation c.524delA).
Protein change: p.Gln175fs; shifts the reading frame from glutamine 175.
Molecular consequence: frameshift variant.
Genome position (GRCh38, 1-based): chr5:149,042,699, T deleted on the plus strand (A on the coding strand, the reverse complement: SH3TC2 is on the minus strand). VCF-style (leftmost placement, unchanged base first): chr5-149042698-CT-C. GRCh37 (hg19) VCF-style: chr5-148422261-CT-C.
Other names: c.524delA (NM_024577.3); short protein forms Q175fs.
Identifiers: ClinVar variation 631961 (VCV000631961.8), dbSNP rs1561770179, ClinGen allele CA913189695.

ClinVar aggregate classification (germline): Pathogenic. Review status: criteria provided, single submitter (1 of 4 stars). 2 submissions from 2 submitters: Pathogenic (1). 1 of the submissions does not count toward it. Last evaluated 2024-07-18.

Conditions:
Charcot-Marie-Tooth disease. Also called: Charcot-Marie-Tooth Neuropathy; Charcot-Marie-Tooth Hereditary Neuropathy. Identifiers: Orphanet 166, MedGen C0007959, MONDO:0015626.
Charcot-Marie-Tooth disease type 4. Also called: Charcot-Marie-Tooth, Type 4; Charcot-Marie-Tooth disease, type IV. Identifiers: Orphanet 64749, MedGen C4082197, MONDO:0018995.

Allele frequency attached by ClinVar (database versions not stated): gnomAD exomes below 0.00001; TOPMed below 0.00001.

Submissions (2):

Labcorp Genetics (formerly Invitae), Labcorp
Classification: Pathogenic for Charcot-Marie-Tooth disease type 4. Last evaluated: 2024-07-18. Review status: criteria provided, single submitter. Criteria: Invitae Variant Classification Sherloc (09022015). Collection method: clinical testing. Allele origin: germline.
Comment: This sequence change creates a premature translational stop signal (p.Gln175Argfs*13) in the SH3TC2 gene. It is expected to result in an absent or disrupted protein product. Loss-of-function variants in SH3TC2 are known to be pathogenic (PMID: 20220177, 27068304). This variant is not present in population databases (gnomAD no frequency). This premature translational stop signal has been observed in individual(s) with clinical features of Charcot-Marie-Tooth disease (PMID: 25614874). ClinVar contains an entry for this variant (Variation ID: 631961). For these reasons, this variant has been classified as Pathogenic.

Inherited Neuropathy Consortium
Classification: Pathogenic for Charcot-Marie-Tooth disease. Review status: no assertion criteria provided. Collection method: literature only. Allele origin: germline. Affected: yes. Not counted in ClinVar's aggregate classification.

Literature cited by the submitters: PubMed 20220177 (cited by Labcorp Genetics (formerly Invitae), Labcorp); PubMed 27068304 (cited by Labcorp Genetics (formerly Invitae), Labcorp); PubMed 25614874 (cited by Labcorp Genetics (formerly Invitae), Labcorp and Inherited Neuropathy Consortium).